The following is an entry in ClinVar:

NM_145725.3(TRAF3):c.1634A>G (p.Asn545Ser)

Gene: TRAF3 (TNF receptor associated factor 3; plus strand). Cytogenetic location: 14q32.32.
Variant type: single nucleotide variant.
Coding change: c.1634A>G on transcript NM_145725.3 (MANE Select); coding-DNA position 1634, A replaced by G.
Protein change: p.Asn545Ser; replaces asparagine 545 with serine.
Molecular consequence: missense variant.
Genome position (GRCh38, 1-based): chr14:102,905,711, A>G. VCF-style: chr14-102905711-A-G. GRCh37 (hg19) VCF-style: chr14-103372048-A-G.
Other names: c.1385A>G, p.Asn462Ser (NM_001199427.2); c.1493A>G, p.Asn498Ser (NM_001385142.1); c.1553A>G, p.Asn518Ser (NM_001385143.1); c.1634A>G, p.Asn545Ser (NM_003300.4); c.1559A>G, p.Asn520Ser (NM_145726.3); short protein forms N520S, N462S, N545S, N498S, N518S.
Identifiers: ClinVar variation 853572 (VCV000853572.10), dbSNP rs144637377, ClinGen allele CA7359631.

ClinVar aggregate classification (germline): Uncertain significance (1 of 4 stars; one submission).

Conditions:
Immunodeficiency 132A. Also called: Herpes simplex encephalitis, susceptibility to, 3. Identifiers: Orphanet 1930, MedGen C3553868, MONDO:0013920, OMIM 614849.

Allele frequency attached by ClinVar (database versions not stated): gnomAD 0.00001 and 0.00002; 1000 Genomes Project 0.00020; TOPMed below 0.00001; ExAC 0.00001; gnomAD exomes 0.00002; ESP Exome Variant Server 0.00008; 1000 Genomes Project 30x 0.00016.
gnomAD v4.1: 36 of 1,612,432 alleles (0.0022%); highest among the groups gnomAD compares: Non-Finnish European, 0.003%; no homozygotes.

Submission:

Labcorp Genetics (formerly Invitae), Labcorp
Classification: Uncertain significance for Immunodeficiency 132A. Last evaluated: 2019-11-29. Review status: criteria provided, single submitter. Criteria: Invitae Variant Classification Sherloc (09022015). Collection method: clinical testing. Allele origin: germline.
Comment: This sequence change replaces asparagine with serine at codon 545 of the TRAF3 protein (p.Asn545Ser). The asparagine residue is highly conserved and there is a small physicochemical difference between asparagine and serine. This variant is present in population databases (rs144637377, ExAC 0.01%). This variant has not been reported in the literature in individuals with TRAF3-related conditions. Algorithms developed to predict the effect of missense changes on protein structure and function (SIFT, PolyPhen-2, Align-GVGD) all suggest that this variant is likely to be tolerated, but these predictions have not been confirmed by published functional studies and their clinical significance is uncertain. In summary, the available evidence is currently insufficient to determine the role of this variant in disease. Therefore, it has been classified as a Variant of Uncertain Significance.